The following is an entry in ClinVar:

NM_012308.3(KDM2A):c.1147C>T (p.Arg383Ter)

Gene: KDM2A (lysine demethylase 2A; plus strand). Cytogenetic location: 11q13.2.
Variant type: single nucleotide variant.
Coding change: c.1147C>T on transcript NM_012308.3 (MANE Select); coding-DNA position 1147, C replaced by T.
Protein change: p.Arg383Ter; replaces arginine 383 with a stop codon.
Molecular consequence: nonsense. On other transcripts: non-coding transcript variant (1).
Genome position (GRCh38, 1-based): chr11:67,231,628, C>T. VCF-style: chr11-67231628-C-T. GRCh37 (hg19) VCF-style: chr11-66999099-C-T.
Other names: short protein forms R383*.
Identifiers: ClinVar variation 4858761 (VCV004858761.1).

ClinVar aggregate classification (germline): Pathogenic (1 of 4 stars; one submission).

Submission:

Ambry Genetics
Classification: Pathogenic. Last evaluated: 2026-05-05. Review status: criteria provided, single submitter. Criteria: Ambry Variant Classification Scheme 2023. Collection method: clinical testing. Allele origin: germline.
Comment: The c.1147C>T (p.R383*) alteration, located in exon 12 (coding exon 11) of the KDM2A gene, consists of a C to T substitution at nucleotide position 1147. This changes the amino acid from an arginine (R) to a stop codon at amino acid position 383. This variant is expected to result in loss of function by premature protein truncation or nonsense-mediated mRNA decay. This variant was not reported in population-based cohorts in the Genome Aggregation Database (gnomAD). Based on the available evidence, this alteration is classified as pathogenic.